The following is an entry in ClinVar:

NM_017852.5(NLRP2):c.1048G>C (p.Glu350Gln)

Gene: NLRP2 (NLR family pyrin domain containing 2; plus strand). Cytogenetic location: 19q13.42.
Variant type: single nucleotide variant.
Coding change: c.1048G>C on transcript NM_017852.5 (MANE Select); coding-DNA position 1048, G replaced by C.
Protein change: p.Glu350Gln; replaces glutamic acid 350 with glutamine.
Molecular consequence: missense variant. On other transcripts: non-coding transcript variant (1).
Genome position (GRCh38, 1-based): chr19:54,982,746, G>C. VCF-style: chr19-54982746-G-C. GRCh37 (hg19) VCF-style: chr19-55494114-G-C.
Other names: c.1048G>C, p.Glu350Gln (NM_001174081.3); c.982G>C, p.Glu328Gln (NM_001174082.3); c.979G>C, p.Glu327Gln (NM_001174083.2); c.1039G>C, p.Glu347Gln (NM_001348003.2); c.1048G>C (NM_001174081.2); short protein forms E327Q, E328Q, E347Q, E350Q.
Identifiers: ClinVar variation 1694945 (VCV001694945.32), dbSNP rs142528551, ClinGen allele CA310103591.

ClinVar aggregate classification (germline): Benign. Review status: criteria provided, single submitter (1 of 4 stars). 2 submissions from 2 submitters: Benign (1). 1 of the submissions does not count toward it. Last evaluated 2022-08-01.

Conditions:
NLRP2-related disorder. Also called: NLRP2-related condition.

Allele frequency attached by ClinVar (database versions not stated): ESP Exome Variant Server 0.00054; TOPMed 0.00055; 1000 Genomes Project 30x 0.00094; 1000 Genomes Project 0.00100; gnomAD 0.00204 and 0.00213; gnomAD exomes 0.00279; ExAC 0.00293.
gnomAD v4.1: 2,598 of 1,613,950 alleles (0.16%); highest among the groups gnomAD compares: Non-Finnish European, 0.11%; 15 homozygotes.

Submissions (2):

CeGaT Center for Human Genetics Tuebingen
Classification: Benign. Last evaluated: 2022-08-01. Review status: criteria provided, single submitter. Criteria: CeGaT Center For Human Genetics Tuebingen Variant Classification Criteria Version 2. Collection method: clinical testing. Allele origin: germline. Affected: yes. Observed: 2 variant alleles.
Comment: NLRP2: BP4, BS1, BS2

PreventionGenetics, part of Exact Sciences
Classification: Benign for NLRP2-related condition. Last evaluated: 2019-06-13. Review status: no assertion criteria provided. Collection method: clinical testing. Allele origin: germline. Not counted in ClinVar's aggregate classification.
Comment: This variant is classified as benign based on ACMG/AMP sequence variant interpretation guidelines (Richards et al. 2015 PMID: 25741868, with internal and published modifications).